The following is an entry in ClinVar:

ClinVar aggregate classification (germline): Uncertain significance (1 of 4 stars; one submission).

Conditions:
Familial thoracic aortic aneurysm and aortic dissection (TAAD). Also called: Thoracic aortic aneurysms and dissections. Identifiers: Orphanet 91387, MedGen C4707243, MONDO:0019625.

Allele frequency attached by ClinVar (database versions not stated): gnomAD exomes below 0.00001.
gnomAD v4.1: 1 of 1,613,002 alleles (0.000062%); highest among the groups gnomAD compares: Non-Finnish European, 0.000085%; no homozygotes.

Submission:

Ambry Genetics
Classification: Uncertain significance for Familial thoracic aortic aneurysm and aortic dissection. Last evaluated: 2023-01-15. Review status: criteria provided, single submitter. Criteria: Ambry Variant Classification Scheme 2023. Collection method: clinical testing. Allele origin: germline.
Comment: The p.G661A variant (also known as c.1982G>C), located in coding exon 12 of the NOTCH1 gene, results from a G to C substitution at nucleotide position 1982. The glycine at codon 661 is replaced by alanine, an amino acid with similar properties. This amino acid position is conserved. In addition, the in silico prediction for this alteration is inconclusive. Since supporting evidence is limited at this time, the clinical significance of this alteration remains unclear.

NM_017617.5(NOTCH1):c.1982G>C (p.Gly661Ala)

Gene: NOTCH1 (notch receptor 1; minus strand). Cytogenetic location: 9q34.3.
Variant type: single nucleotide variant.
Coding change: c.1982G>C on transcript NM_017617.5 (MANE Select); coding-DNA position 1982, G replaced by C.
Protein change: p.Gly661Ala; replaces glycine 661 with alanine.
Molecular consequence: missense variant.
Genome position (GRCh38, 1-based): chr9:136,515,322, C>G on the plus strand (G>C on the coding strand, the complement: NOTCH1 is on the minus strand). VCF-style: chr9-136515322-C-G. GRCh37 (hg19) VCF-style: chr9-139409774-C-G.
Other names: short protein forms G661A.
Identifiers: ClinVar variation 2452187 (VCV002452187.2), dbSNP rs2133362468, ClinGen allele CA375559150.